The following is an entry in ClinVar:

ClinVar aggregate classification (germline): Uncertain significance. Review status: criteria provided, multiple submitters, no conflicts (2 of 4 stars). 2 submissions from 2 submitters: Uncertain significance (2). Last evaluated 2025-08-11.

Conditions:
Inborn genetic diseases. Identifiers: MedGen C0950123, MeSH D030342.

Allele frequency attached by ClinVar (database versions not stated): ExAC 0.00004; TOPMed 0.00001.
gnomAD v4.1: 4 of 1,613,382 alleles (0.00025%); highest among the groups gnomAD compares: East Asian, 0.0045%; no homozygotes.

Submissions (2):

GeneDx
Classification: Uncertain significance. Last evaluated: 2025-08-11. Review status: criteria provided, single submitter. Criteria: GeneDx Variant Classification Process June 2021. Collection method: clinical testing. Allele origin: germline. Affected: yes.
Comment: In silico analysis suggests that this missense variant does not alter protein structure/function; Has not been previously published as pathogenic or benign to our knowledge

Ambry Genetics
Classification: Uncertain significance for Inborn genetic diseases. Last evaluated: 2024-02-28. Review status: criteria provided, single submitter. Criteria: Ambry Variant Classification Scheme 2023. Collection method: clinical testing. Allele origin: germline.

NM_000095.3(COMP):c.1555G>A (p.Val519Met)

Gene: COMP (cartilage oligomeric matrix protein; minus strand). Cytogenetic location: 19p13.11.
Variant type: single nucleotide variant.
Coding change: c.1555G>A on transcript NM_000095.3 (MANE Select); coding-DNA position 1555, G replaced by A.
Protein change: p.Val519Met; replaces valine 519 with methionine.
Molecular consequence: missense variant.
Genome position (GRCh38, 1-based): chr19:18,785,786, C>T on the plus strand (G>A on the coding strand, the complement: COMP is on the minus strand). VCF-style: chr19-18785786-C-T. GRCh37 (hg19) VCF-style: chr19-18896596-C-T.
Other names: short protein forms V519M.
Identifiers: ClinVar variation 3147932 (VCV003147932.2), dbSNP rs779933113, ClinGen allele CA9316359.